The following is an entry in ClinVar:

NM_153332.4(ERI1):c.514C>T (p.Gln172Ter)

Gene: ERI1 (exoribonuclease 1). Cytogenetic location: 8p23.1.
Variant type: single nucleotide variant.
Coding change: c.514C>T on transcript NM_153332.4 (MANE Select); coding-DNA position 514, C replaced by T.
Protein change: p.Gln172Ter; replaces glutamine 172 with a stop codon.
Molecular consequence: nonsense.
Genome position (GRCh38, 1-based): chr8:9,016,337, C>T. VCF-style: chr8-9016337-C-T. GRCh37 (hg19) VCF-style: chr8-8873847-C-T.
Other names: c.280C>T, p.Gln94Ter (NM_001354635.2); c.169C>T, p.Gln57Ter (NM_001354636.2); c.514C>T, p.Gln172Ter (NM_001354638.2); short protein forms Q172*, Q57*, Q94*.
Identifiers: ClinVar variation 3061999 (VCV003061999.2), dbSNP rs2486243611, ClinGen allele CA370260944.

ClinVar aggregate classification (germline): Conflicting classifications of pathogenicity. Review status: criteria provided, conflicting classifications (1 of 4 stars). 2 submissions from 2 submitters: Likely pathogenic (1); Uncertain significance (1). Last evaluated 2024-03-03.

Conditions:
Hoxha-Aliu syndrome (HXAL). Identifiers: MedGen C5882736, MONDO:0958005, OMIM 620662.

Submissions (2):

SIB Swiss Institute of Bioinformatics
Classification: Likely pathogenic for Hoxha-Aliu syndrome. Last evaluated: 2024-03-03. Review status: criteria provided, single submitter. Criteria: ACMG Guidelines, 2015. Collection method: curation. Allele origin: unknown. Affected: yes.
Comment: This variant is interpreted for Hoxha-Aliu syndrome, autosomal recessive. The following ACMG Tag(s) were applied: Absent from controls (or at extremely low frequency if recessive) in gnomAD (PM2). Predicted nullvariant in a gene where LOF is a known mechanism of disease (PVS1-strong).

Blueprint Genetics
Classification: Uncertain significance. Last evaluated: 2020-02-08. Review status: criteria provided, single submitter. Criteria: ACMG Guidelines, 2015. Collection method: clinical testing. Allele origin: germline.

Literature cited by the submitters: PubMed 37352860 (cited by SIB Swiss Institute of Bioinformatics).